The following is an entry in ClinVar:

ClinVar aggregate classification (germline): Benign. Review status: criteria provided, multiple submitters, no conflicts (2 of 4 stars). 4 submissions from 4 submitters: Benign (3). 1 of the submissions does not count toward it. Last evaluated 2026-01-28.

Conditions:
CHAT-related disorder. Also called: CHAT-related condition.

Allele frequency attached by ClinVar (database versions not stated): 1000 Genomes Project 0.02356; 1000 Genomes Project 30x 0.02436; ESP Exome Variant Server 0.02447.
gnomAD v4.1: 6,170 of 1,607,874 alleles (0.38%); highest among the groups gnomAD compares: African/African-American, 7.4%; 211 homozygotes.

Submissions (4):

Labcorp Genetics (formerly Invitae), Labcorp
Classification: Benign. Last evaluated: 2026-01-28. Review status: criteria provided, single submitter. Criteria: Invitae Variant Classification Sherloc (09022015). Collection method: clinical testing. Allele origin: germline.

Mayo Clinic Laboratories, Mayo Clinic
Classification: Benign. Last evaluated: 2025-01-31. Review status: criteria provided, single submitter. Criteria: ACMG Guidelines, 2015. Collection method: clinical testing. Allele origin: germline. Observed: 5 variant alleles.

Breakthrough Genomics
Classification: Benign. Review status: criteria provided, single submitter. Criteria: ACMG Guidelines, 2015. Collection method: not provided. Allele origin: germline. Inheritance: Autosomal recessive inheritance. Affected: yes.

PreventionGenetics, part of Exact Sciences
Classification: Benign for CHAT-related condition. Last evaluated: 2019-07-19. Review status: no assertion criteria provided. Collection method: clinical testing. Allele origin: germline. Not counted in ClinVar's aggregate classification.
Comment: This variant is classified as benign based on ACMG/AMP sequence variant interpretation guidelines (Richards et al. 2015 PMID: 25741868, with internal and published modifications).

NM_003055.3(SLC18A3):c.88C>A (p.Arg30=)

Genes: CHAT (choline O-acetyltransferase; plus strand), SLC18A3 (solute carrier family 18 member A3; plus strand). Cytogenetic location: 10q11.23.
Variant type: single nucleotide variant.
Coding change: c.88C>A on transcript NM_003055.3 (MANE Select); coding-DNA position 88, C replaced by A.
Protein change: p.Arg30=; no amino-acid change (arginine 30 retained).
Molecular consequence: synonymous variant. On other transcripts: intron variant (1).
Genome position (GRCh38, 1-based): chr10:49,610,828, C>A. VCF-style: chr10-49610828-C-A. GRCh37 (hg19) VCF-style: chr10-50818874-C-A.
Other names: p.Arg30=; c.-69+1629C>A (NM_020984.4).
Identifiers: ClinVar variation 1599808 (VCV001599808.12), dbSNP rs8187735, ClinGen allele CA5496686.
Genomic context (GRCh38, chr10:49,610,828, plus strand): 5'-GCCCGGGCGGCGGCCACCAAGCTGTCGGAGGCTGTGGGCGCGGCGCTGCAGGAGCCCCGG[C>A]GGCAGAGGCGCCTGGTGCTTGTTATCGTGTGCGTGGCGCTGTTACTGGACAACATGCTGT-3'
Protein context (NP_003046.2, residues 20-40): AVGAALQEPR[Arg30=]QRRLVLVIVC